The following is an entry in ClinVar:

ClinVar aggregate classification (germline): Uncertain significance (1 of 4 stars; one submission).

Conditions:
Fanconi anemia (FA). Also called: Fanconi's anemia. Identifiers: Orphanet 84, MedGen C0015625, MeSH D005199, MONDO:0019391.

Submission:

Labcorp Genetics (formerly Invitae), Labcorp
Classification: Uncertain significance for Fanconi anemia. Last evaluated: 2026-02-01. Review status: criteria provided, single submitter. Criteria: Invitae Variant Classification Sherloc (09022015). Collection method: clinical testing. Allele origin: germline.
Comment: This variant, c.3246_3251del, results in the deletion of 2 amino acid(s) of the FANCM protein (p.Cys1083_Asp1084del), but otherwise preserves the integrity of the reading frame. This variant is not present in population databases (gnomAD no frequency). This variant has not been reported in the literature in individuals affected with FANCM-related conditions. ClinVar contains an entry for this variant (Variation ID: 864063). Experimental studies and prediction algorithms are not available or were not evaluated, and the functional significance of this variant is currently unknown. In summary, the available evidence is currently insufficient to determine the role of this variant in disease. Therefore, it has been classified as a Variant of Uncertain Significance.

NM_020937.4(FANCM):c.3240CTGTGA[1] (p.1081CD[1])

Gene: FANCM (FA complementation group M; plus strand). Cytogenetic location: 14q21.2.
Variant type: Microsatellite.
Coding change: c.3240CTGTGA[1] on transcript NM_020937.4 (MANE Select); one copy of the 6-base unit CTGTGA starting at c.3240; the reference has two copies in a row; one copy, 6 bases deleted.
Protein change: p.1081CD[1].
Molecular consequence: inframe deletion.
Genome position (GRCh38, 1-based): chr14:45,176,000-45,176,005, CTGTGA deleted; deleting any 6 consecutive bases within chr14:45,175,994-45,176,005 gives the same sequence; the position shown is the placement nearest the transcript's 3' end. VCF-style (leftmost placement, unchanged base first): chr14-45175993-TCTGTGA-T. GRCh37 (hg19) VCF-style: chr14-45645196-TCTGTGA-T.
Other names: c.3162CTGTGA[1], p.1055CD[1] (NM_001308133.2).
Identifiers: ClinVar variation 864063 (VCV000864063.9), dbSNP rs1888662522, ClinGen allele CA916081714.